The following is an entry in ClinVar:

NM_021076.4(NEFH):c.1055G>A (p.Arg352His)

Gene: NEFH (neurofilament heavy chain; plus strand). Cytogenetic location: 22q12.2.
Variant type: single nucleotide variant.
Coding change: c.1055G>A on transcript NM_021076.4 (MANE Select); coding-DNA position 1055, G replaced by A.
Protein change: p.Arg352His; replaces arginine 352 with histidine.
Molecular consequence: missense variant.
Genome position (GRCh38, 1-based): chr22:29,483,546, G>A. VCF-style: chr22-29483546-G-A. GRCh37 (hg19) VCF-style: chr22-29879535-G-A.
Other names: c.1055G>A (NM_021076.3); short protein forms R352H.
Identifiers: ClinVar variation 1504983 (VCV001504983.10), dbSNP rs750088241, ClinGen allele CA10174098.
Genomic context (GRCh38, chr22:29,483,546, plus strand): 5'-TGGAGGCACTGAAAAGCACCAAGGACTCACTGGAGAGGCAGCGCTCTGAGCTGGAGGACC[G>A]TCATCAGGCCGACATTGCCTCCTACCAGGTGGGCAGGGGCAAGGCAGACAGCCAGACTGC-3'
Protein context (NP_066554.2, residues 342-362): LERQRSELED[Arg352His]HQADIASYQE

ClinVar aggregate classification (germline): Uncertain significance. Review status: criteria provided, multiple submitters, no conflicts (2 of 4 stars). 3 submissions from 3 submitters: Uncertain significance (2). 1 of the submissions does not count toward it. Last evaluated 2025-08-31.

Conditions:
NEFH-related disorder. Also called: NEFH-related condition.
Charcot-Marie-Tooth disease axonal type 2CC. Also called: CHARCOT-MARIE-TOOTH NEUROPATHY, TYPE 2CC. Identifiers: MedGen C4310790, MONDO:0014836, OMIM 616924.

Allele frequency attached by ClinVar (database versions not stated): gnomAD 0.00001; gnomAD exomes 0.00004 and 0.00006; ExAC 0.00005; TOPMed 0.00012.
gnomAD v4.1: 63 of 1,613,692 alleles (0.0039%); highest among the groups gnomAD compares: Middle Eastern, 0.033%; no homozygotes.

Submissions (3):

Labcorp Genetics (formerly Invitae), Labcorp
Classification: Uncertain significance. Last evaluated: 2025-08-31. Review status: criteria provided, single submitter. Criteria: Invitae Variant Classification Sherloc (09022015). Collection method: clinical testing. Allele origin: germline.
Comment: This sequence change replaces arginine, which is basic and polar, with histidine, which is basic and polar, at codon 352 of the NEFH protein (p.Arg352His). This variant is present in population databases (rs750088241, gnomAD 0.02%). This variant has not been reported in the literature in individuals affected with NEFH-related conditions. ClinVar contains an entry for this variant (Variation ID: 1504983). Invitae Evidence Modeling of protein sequence and biophysical properties (such as structural, functional, and spatial information, amino acid conservation, physicochemical variation, residue mobility, and thermodynamic stability) indicates that this missense variant is not expected to disrupt NEFH protein function with a negative predictive value of 95%. In summary, the available evidence is currently insufficient to determine the role of this variant in disease. Therefore, it has been classified as a Variant of Uncertain Significance.

Revvity Omics, Revvity
Classification: Uncertain significance for Charcot-Marie-Tooth disease axonal type 2CC. Last evaluated: 2023-02-15. Review status: criteria provided, single submitter. Criteria: ACMG Guidelines, 2015. Collection method: clinical testing. Allele origin: germline.

PreventionGenetics, part of Exact Sciences
Classification: Uncertain significance for NEFH-related condition. Last evaluated: 2023-12-04. Review status: no assertion criteria provided. Collection method: clinical testing. Allele origin: germline. Not counted in ClinVar's aggregate classification.
Comment: The NEFH c.1055G>A variant is predicted to result in the amino acid substitution p.Arg352His. To our knowledge, this variant has not been reported in the literature. This variant is reported in 0.020% of alleles in individuals of Latino descent in gnomAD. At this time, the clinical significance of this variant is uncertain due to the absence of conclusive functional and genetic evidence.